The following is an entry in ClinVar:

NM_005198.5(CHKB):c.736+2T>C

Genes: CHKB (choline kinase beta; minus strand), CHKB-CPT1B (CHKB-CPT1B readthrough (NMD candidate); minus strand). Cytogenetic location: 22q13.33.
Variant type: single nucleotide variant.
Coding change: c.736+2T>C on transcript NM_005198.5 (MANE Select); the canonical splice donor site of the intron after coding-DNA position 736, T replaced by C.
Molecular consequence: splice donor variant.
Genome position (GRCh38, 1-based): chr22:50,580,356, A>G on the plus strand (T>C on the coding strand, the complement: CHKB is on the minus strand). VCF-style: chr22-50580356-A-G. GRCh37 (hg19) VCF-style: chr22-51018785-A-G.
Identifiers: ClinVar variation 430310 (VCV000430310.2), dbSNP rs776158594, ClinGen allele CA10323664.

ClinVar aggregate classification (germline): Likely pathogenic (1 of 4 stars; one submission).

Allele frequency attached by ClinVar (database versions not stated): gnomAD exomes below 0.00001; gnomAD 0.00001; ExAC 0.00001.
gnomAD v4.1: 3 of 1,613,804 alleles (0.00019%); highest among the groups gnomAD compares: East Asian, 0.0022%; no homozygotes.

Submission:

GeneDx
Classification: Likely pathogenic. Last evaluated: 2016-09-01. Review status: criteria provided, single submitter. Criteria: GeneDx Variant Classification (06012015). Collection method: clinical testing. Allele origin: germline. Affected: yes.
Comment: The c.736+2 T>C variant has not been published as a pathogenic variant, nor has it been reported as a benign variant to our knowledge. The c.736+2 T>C splice site variant is predicted to destroy the canonical splice donor site in intron 6. It is predicted to cause abnormal gene splicing, either leading to an abnormal message that is subject to nonsense-mediated mRNA decay, or to an abnormal protein product if the message is used for protein translation. Therefore, this variant is likely pathogenic.